The following is an entry in ClinVar:

ClinVar aggregate classification (germline): Uncertain significance (1 of 4 stars; one submission).

Conditions:
Aicardi-Goutieres syndrome 6 (AGS6). Identifiers: Orphanet 51, MedGen C3539013, MONDO:0014007, OMIM 615010.
Symmetrical dyschromatosis of extremities (DSH). Also called: DYSCHROMATOSIS SYMMETRICA HEREDITARIA 1; RETICULATE ACROPIGMENTATION OF DOHI; SYMMETRIC DYSCHROMATOSIS OF THE EXTREMITIES; Dyschromatosis symmetrica hereditaria. Identifiers: Orphanet 41, MedGen C0406775, MONDO:0007483, OMIM 127400.

Allele frequency attached by ClinVar (database versions not stated): gnomAD exomes below 0.00001.
gnomAD v4.1: 2 of 1,614,064 alleles (0.00012%); highest among the groups gnomAD compares: Non-Finnish European, 0.00017%; no homozygotes.

Submission:

Labcorp Genetics (formerly Invitae), Labcorp
Classification: Uncertain significance for Aicardi-Goutieres syndrome 6; Symmetrical dyschromatosis of extremities. Last evaluated: 2023-02-14. Review status: criteria provided, single submitter. Criteria: Invitae Variant Classification Sherloc (09022015). Collection method: clinical testing. Allele origin: germline.
Comment: ClinVar contains an entry for this variant (Variation ID: 1403037). This sequence change replaces arginine, which is basic and polar, with histidine, which is basic and polar, at codon 1083 of the ADAR protein (p.Arg1083His). This variant is not present in population databases (gnomAD no frequency). This missense change has been observed in individual(s) with dyschromatosis symmetrica hereditaria (PMID: 22336994, 26892242). Advanced modeling of protein sequence and biophysical properties (such as structural, functional, and spatial information, amino acid conservation, physicochemical variation, residue mobility, and thermodynamic stability) has been performed at Invitae for this missense variant, however the output from this modeling did not meet the statistical confidence thresholds required to predict the impact of this variant on ADAR protein function. In summary, the available evidence is currently insufficient to determine the role of this variant in disease. Therefore, it has been classified as a Variant of Uncertain Significance.

Literature cited by the submitters: PubMed 22336994; PubMed 26892242.

NM_001111.5(ADAR):c.3248G>A (p.Arg1083His)

Gene: ADAR (adenosine deaminase RNA specific; minus strand). Cytogenetic location: 1q21.3.
Variant type: single nucleotide variant.
Coding change: c.3248G>A on transcript NM_001111.5 (MANE Select); coding-DNA position 3248, G replaced by A.
Protein change: p.Arg1083His; replaces arginine 1083 with histidine.
Molecular consequence: missense variant.
Genome position (GRCh38, 1-based): chr1:154,585,820, C>T on the plus strand (G>A on the coding strand, the complement: ADAR is on the minus strand). VCF-style: chr1-154585820-C-T. GRCh37 (hg19) VCF-style: chr1-154558296-C-T.
Other names: c.2363G>A, p.Arg788His (NM_001025107.3, NM_001193495.2, NM_001365046.1 and 2 more transcripts); c.3275G>A, p.Arg1092His (NM_001365045.1); c.2285G>A, p.Arg762His (NM_001365049.1); c.3170G>A, p.Arg1057His (NM_015840.4); c.3113G>A, p.Arg1038His (NM_015841.4); short protein forms R762H, R1092H, R1038H, R1057H, R1083H, R788H.
Identifiers: ClinVar variation 1403037 (VCV001403037.8), dbSNP rs1363826622, ClinGen allele CA342635395.